The following is an entry in ClinVar:

ClinVar aggregate classification (germline): Uncertain significance (1 of 4 stars; one submission).

Conditions:
Hereditary cancer-predisposing syndrome. Also called: Tumor predisposition; Hereditary neoplastic syndrome; Hereditary Cancer Syndrome; Neoplastic Syndromes, Hereditary. Identifiers: Orphanet 140162, MedGen C0027672, MeSH D009386, MONDO:0015356.

Allele frequency attached by ClinVar (database versions not stated): gnomAD exomes below 0.00001.

Submission:

Ambry Genetics
Classification: Uncertain significance for Hereditary cancer-predisposing syndrome. Last evaluated: 2024-02-25. Review status: criteria provided, single submitter. Criteria: Ambry Variant Classification Scheme 2023. Collection method: clinical testing. Allele origin: germline.
Comment: The p.Q1210R variant (also known as c.3629A>G), located in coding exon 18 of the BLM gene, results from an A to G substitution at nucleotide position 3629. The glutamine at codon 1210 is replaced by arginine, an amino acid with highly similar properties. This amino acid position is conserved. In addition, this alteration is predicted to be tolerated by in silico analysis. Based on the available evidence, the clinical significance of this alteration remains unclear.

NM_000057.4(BLM):c.3629A>G (p.Gln1210Arg)

Gene: BLM (BLM RecQ like helicase; plus strand). Cytogenetic location: 15q26.1.
Variant type: single nucleotide variant.
Coding change: c.3629A>G on transcript NM_000057.4 (MANE Select); coding-DNA position 3629, A replaced by G.
Protein change: p.Gln1210Arg; replaces glutamine 1210 with arginine.
Molecular consequence: missense variant. On other transcripts: intron variant (1).
Genome position (GRCh38, 1-based): chr15:90,804,237, A>G. VCF-style: chr15-90804237-A-G. GRCh37 (hg19) VCF-style: chr15-91347467-A-G.
Other names: c.3629A>G, p.Gln1210Arg (NM_001287246.2); c.2504A>G, p.Gln835Arg (NM_001287248.2); c.3359-4900A>G (NM_001287247.2); short protein forms Q1210R, Q835R.
Identifiers: ClinVar variation 3224557 (VCV003224557.1), dbSNP rs2505549927, ClinGen allele CA393848036.